The following is an entry in ClinVar:

ClinVar aggregate classification (germline): Pathogenic (1 of 4 stars; one submission).

Conditions:
Hypohidrotic X-linked ectodermal dysplasia (XHED). Also called: ECTODERMAL DYSPLASIA 1, HYPOHIDROTIC/HAIR/TOOTH TYPE, X-LINKED; Christ-Siemans-Touraine syndrome; Ectodermal Dysplasia 1, Anhidrotic; Anhidrotic ectodermal dysplasia X-linked; Christ Siemens Touraine syndrome; ECTODERMAL DYSPLASIA 1. Identifiers: Orphanet 181, Orphanet 238468, MedGen C0162359, MONDO:0010585, OMIM 305100.

Submission:

Labcorp Genetics (formerly Invitae), Labcorp
Classification: Pathogenic for Hypohidrotic X-linked ectodermal dysplasia. Last evaluated: 2019-02-04. Review status: criteria provided, single submitter. Criteria: Invitae Variant Classification Sherloc (09022015). Collection method: clinical testing. Allele origin: germline.
Comment: This variant is not present in population databases (ExAC no frequency). This variant, c.876_893del, results in the deletion of 6 amino acid(s) of the EDA protein (p.Glu292_Val297del), but otherwise preserves the integrity of the reading frame. This variant disrupts the p.Leu293 amino acid residue in EDA. Other variant(s) that disrupt this residue have been observed in individuals with EDA-related conditions (PMID: 26634545, 20979233), suggesting that it is a clinically significant residue. As a result, variants that disrupt this residue are likely to be causative of disease. Experimental studies and prediction algorithms are not available for this variant, and the functional significance of the affected amino acid(s) is currently unknown.

Literature cited by the submitters: PubMed 26634545; PubMed 20979233.

NM_001399.5(EDA):c.876_893del (p.Glu292_Val297del)

Gene: EDA (ectodysplasin A; plus strand). Cytogenetic location: Xq13.1.
Variant type: Deletion.
Coding change: c.876_893del on transcript NM_001399.5 (MANE Select); coding-DNA positions 876 to 893, 18 bases deleted (GCTGGAGGTACTGGTGGA).
Protein change: p.Glu292_Val297del.
Molecular consequence: inframe deletion.
Genome position (GRCh38, 1-based): chrX:70,033,480-70,033,497, GCTGGAGGTACTGGTGGA deleted; deleting any 18 consecutive bases within chrX:70,033,477-70,033,497 gives the same sequence; the c. name uses the placement nearest the transcript's 3' end. VCF-style (leftmost placement, unchanged base first): chrX-70033476-GGGAGCTGGAGGTACTGGT-G. GRCh37 (hg19) VCF-style: chrX-69253326-GGGAGCTGGAGGTACTGGT-G.
Other names: c.876_893del, p.Glu292_Val297del (NM_001005609.2); c.867_884del, p.Glu289_Val294del (NM_001005612.3).
Identifiers: ClinVar variation 649646 (VCV000649646.10), dbSNP rs1602622972, ClinGen allele CA915951155.